The following is an entry in ClinVar:

NM_178229.5(IQGAP3):c.975G>A (p.Gly325=)

Gene: IQGAP3 (IQ motif containing GTPase activating protein 3; minus strand). Cytogenetic location: 1q22.
Variant type: single nucleotide variant.
Coding change: c.975G>A on transcript NM_178229.5 (MANE Select); coding-DNA position 975, G replaced by A.
Protein change: p.Gly325=; no amino-acid change (glycine 325 retained).
Molecular consequence: synonymous variant.
Genome position (GRCh38, 1-based): chr1:156,561,904, C>T on the plus strand (G>A on the coding strand, the complement: IQGAP3 is on the minus strand). VCF-style: chr1-156561904-C-T. GRCh37 (hg19) VCF-style: chr1-156531696-C-T.
Identifiers: ClinVar variation 3058318 (VCV003058318.2), dbSNP rs1676166899, ClinGen allele CA421131497.

ClinVar aggregate classification (germline): Likely benign (0 of 4 stars; one submission).

Conditions:
IQGAP3-related disorder. Also called: IQGAP3-related condition.

Allele frequency attached by ClinVar (database versions not stated): gnomAD exomes below 0.00001.
gnomAD v4.1: 1 of 1,614,068 alleles (0.000062%); highest among the groups gnomAD compares: Non-Finnish European, 0.000085%; no homozygotes.

Submission:

PreventionGenetics, part of Exact Sciences
Classification: Likely benign for IQGAP3-related condition. Last evaluated: 2019-04-25. Review status: no assertion criteria provided. Collection method: clinical testing. Allele origin: germline.
Comment: This variant is classified as likely benign based on ACMG/AMP sequence variant interpretation guidelines (Richards et al. 2015 PMID: 25741868, with internal and published modifications).